The following is an entry in ClinVar:

NM_000459.5(TEK):c.3324T>G (p.Tyr1108Ter)

Gene: TEK (TEK receptor tyrosine kinase; plus strand). Cytogenetic location: 9p21.2.
Variant type: single nucleotide variant.
Coding change: c.3324T>G on transcript NM_000459.5 (MANE Select); coding-DNA position 3324, T replaced by G.
Protein change: p.Tyr1108Ter; replaces tyrosine 1108 with a stop codon.
Molecular consequence: nonsense.
Genome position (GRCh38, 1-based): chr9:27,229,181, T>G. VCF-style: chr9-27229181-T-G. GRCh37 (hg19) VCF-style: chr9-27229179-T-G.
Other names: c.3195T>G, p.Tyr1065Ter (NM_001290077.2); c.2880T>G, p.Tyr960Ter (NM_001290078.2); c.3321T>G, p.Tyr1107Ter (NM_001375475.1); c.3192T>G, p.Tyr1064Ter (NM_001375476.1); c.3324T>G (NM_000459.4); short protein forms Y1064*, Y1065*, Y1107*, Y1108*, Y960*.
Identifiers: ClinVar variation 3340457 (VCV003340457.1).

ClinVar aggregate classification (germline): Pathogenic (1 of 4 stars; one submission).

Conditions:
Multiple cutaneous and mucosal venous malformations (VMCM). Also called: TEK-Related Multiple Cutaneous and Mucosal Venous Malformations (VMCM). Identifiers: Orphanet 2451, MedGen C1838437, MONDO:0010842, OMIM 600195.

Submission:

Seattle Children's Hospital Molecular Genetics Laboratory, Seattle Children's Hospital
Classification: Pathogenic for Multiple cutaneous and mucosal venous malformations. Review status: criteria provided, single submitter. Criteria: ACMG Guidelines, 2015. Collection method: clinical testing. Allele origin: somatic. Affected: yes.
Comment: The p.Tyr1108* has also been reported in venous malformations (PMID: 27519652, PMID: 33105631). A different nucleotide change resulting in the same amino acid change has also been reported in patient databases (c.3324T>A, p.Tyr1108*, ClinVar Variation ID: 981231). Late truncating mutations in TEK have been reported in individuals with sporadic venous malformations and functional studies have shown that late C-terminal mutations lead to ligand-independent kinase activation (PMID: 12082108, PMID: 23801934, PMID: 27519652, PMID: 33105631).